The following is an entry in ClinVar:

ClinVar aggregate classification (germline): Likely benign (0 of 4 stars; one submission).

Conditions:
CYP51A1-related disorder. Also called: CYP51A1-related condition.

Allele frequency attached by ClinVar (database versions not stated): ESP Exome Variant Server 0.00008; gnomAD 0.00024; TOPMed 0.00024; ExAC 0.00066.
gnomAD v4.1: 696 of 1,613,172 alleles (0.043%); highest among the groups gnomAD compares: South Asian, 0.23%; 6 homozygotes.

Submission:

PreventionGenetics, part of Exact Sciences
Classification: Likely benign for CYP51A1-related condition. Last evaluated: 2023-04-20. Review status: no assertion criteria provided. Collection method: clinical testing. Allele origin: germline.
Comment: This variant is classified as likely benign based on ACMG/AMP sequence variant interpretation guidelines (Richards et al. 2015 PMID: 25741868, with internal and published modifications).

NM_000786.4(CYP51A1):c.682A>C (p.Lys228Gln)

Gene: CYP51A1 (cytochrome P450 family 51 subfamily A member 1; minus strand). Cytogenetic location: 7q21.2.
Variant type: single nucleotide variant.
Coding change: c.682A>C on transcript NM_000786.4 (MANE Select); coding-DNA position 682, A replaced by C.
Protein change: p.Lys228Gln; replaces lysine 228 with glutamine.
Molecular consequence: missense variant.
Genome position (GRCh38, 1-based): chr7:92,126,341, T>G on the plus strand (A>C on the coding strand, the complement: CYP51A1 is on the minus strand). VCF-style: chr7-92126341-T-G. GRCh37 (hg19) VCF-style: chr7-91755655-T-G.
Other names: c.367A>C, p.Lys123Gln (NM_001146152.2); short protein forms K123Q, K228Q.
Identifiers: ClinVar variation 3043760 (VCV003043760.2), dbSNP rs142437178, ClinGen allele CA4338509.
Genomic context (GRCh38, chr7:92,126,341, plus strand): 5'-GTAAGAGCCAGGCTGCATGGCTGAAACCTCCATCCAAATCTGCATACAGCTGTGCTACCT[T>G]TTCATTGAGTTGACTTCTGATTTCCTTTCCATGCAAACAATGGCTAGCTGTTAAAATTAT-3'
Protein context (NP_000777.1, residues 218-238): GKEIRSQLNE[Lys228Gln]VAQLYADLDG